The following is an entry in ClinVar:

ClinVar aggregate classification (germline): Uncertain significance (1 of 4 stars; one submission).

Submission:

Labcorp Genetics (formerly Invitae), Labcorp
Classification: Uncertain significance. Last evaluated: 2021-01-19. Review status: criteria provided, single submitter. Criteria: Invitae Variant Classification Sherloc (09022015). Collection method: clinical testing. Allele origin: germline.
Comment: Algorithms developed to predict the effect of missense changes on protein structure and function are either unavailable or do not agree on the potential impact of this missense change (SIFT: "Not Available"; PolyPhen-2: "Probably Damaging"; Align-GVGD: "Not Available"). This variant has not been reported in the literature in individuals with UNC80-related conditions. This variant is not present in population databases (ExAC no frequency). This sequence change replaces glutamic acid with valine at codon 1779 of the UNC80 protein (p.Glu1779Val). The glutamic acid residue is weakly conserved and there is a moderate physicochemical difference between glutamic acid and valine. In summary, the available evidence is currently insufficient to determine the role of this variant in disease. Therefore, it has been classified as a Variant of Uncertain Significance.

NM_001371986.1(UNC80):c.5534A>T (p.Glu1845Val)

Gene: UNC80 (unc-80 subunit of NALCN channel complex; plus strand). Cytogenetic location: 2q34.
Variant type: single nucleotide variant.
Coding change: c.5534A>T on transcript NM_001371986.1 (MANE Select); coding-DNA position 5534, A replaced by T.
Protein change: p.Glu1845Val; replaces glutamic acid 1845 with valine.
Molecular consequence: missense variant.
Genome position (GRCh38, 1-based): chr2:209,922,255, A>T. VCF-style: chr2-209922255-A-T. GRCh37 (hg19) VCF-style: chr2-210786979-A-T.
Other names: c.5336A>T, p.Glu1779Val (NM_032504.2); c.5321A>T, p.Glu1774Val (NM_182587.4); short protein forms E1845V, E1774V, E1779V.
Identifiers: ClinVar variation 1503823 (VCV001503823.6), dbSNP rs2124953934, ClinGen allele CA350762395.